The following is an entry in ClinVar:

NM_014363.6(SACS):c.8641T>G (p.Phe2881Val)

Gene: SACS (sacsin molecular chaperone; minus strand). Cytogenetic location: 13q12.12.
Variant type: single nucleotide variant.
Coding change: c.8641T>G on transcript NM_014363.6 (MANE Select); coding-DNA position 8641, T replaced by G.
Protein change: p.Phe2881Val; replaces phenylalanine 2881 with valine.
Molecular consequence: missense variant.
Genome position (GRCh38, 1-based): chr13:23,335,235, A>C on the plus strand (T>G on the coding strand, the complement: SACS is on the minus strand). VCF-style: chr13-23335235-A-C. GRCh37 (hg19) VCF-style: chr13-23909374-A-C.
Other names: c.8200T>G, p.Phe2734Val (NM_001278055.2); short protein forms F2881V, F2734V.
Identifiers: ClinVar variation 1997106 (VCV001997106.2), dbSNP rs1161717839, ClinGen allele CA387516187.
Genomic context (GRCh38, chr13:23,335,235, plus strand): 5'-TATCATCACGCCACAGGTTCCTTCTGGCTGAATCCAGTGCAAAGTGGCCATTCACATGAA[A>C]TGGCAGCCCAGTCTCCAAAGAAAGAGGCAAAAAACAGAAGGCCCTATGGGGTTTTTTATA-3'
Protein context (NP_055178.3, residues 2871-2891): LPLSLETGLP[Phe2881Val]HVNGHFALDS

ClinVar aggregate classification (germline): Uncertain significance (1 of 4 stars; one submission).

Conditions:
Spastic paraplegia. Identifiers: MedGen C0037772, HP:0001258.

Allele frequency attached by ClinVar (database versions not stated): gnomAD exomes below 0.00001.
gnomAD v4.1: 1 of 1,613,950 alleles (0.000062%); highest among the groups gnomAD compares: Admixed American, 0.0017%; no homozygotes.

Submission:

Labcorp Genetics (formerly Invitae), Labcorp
Classification: Uncertain significance for Spastic paraplegia. Last evaluated: 2025-02-17. Review status: criteria provided, single submitter. Criteria: Invitae Variant Classification Sherloc (09022015). Collection method: clinical testing. Allele origin: germline.
Comment: This sequence change replaces phenylalanine, which is neutral and non-polar, with valine, which is neutral and non-polar, at codon 2881 of the SACS protein (p.Phe2881Val). This variant is present in population databases (no rsID available, gnomAD 0.003%). This variant has not been reported in the literature in individuals affected with SACS-related conditions. ClinVar contains an entry for this variant (Variation ID: 1997106). Invitae Evidence Modeling of protein sequence and biophysical properties (such as structural, functional, and spatial information, amino acid conservation, physicochemical variation, residue mobility, and thermodynamic stability) indicates that this missense variant is not expected to disrupt SACS protein function with a negative predictive value of 95%. In summary, the available evidence is currently insufficient to determine the role of this variant in disease. Therefore, it has been classified as a Variant of Uncertain Significance.